The following is an entry in ClinVar:

ClinVar aggregate classification (germline): Likely benign. Review status: criteria provided, multiple submitters, no conflicts (2 of 4 stars). 2 submissions from 2 submitters: Likely benign (2). Last evaluated 2026-07-14.

Conditions:
PEX6-related disorder. Also called: PEX6-related disorders; PEX6-related condition.
Peroxisome biogenesis disorder. Identifiers: Orphanet 79189, MedGen C1832200, MONDO:0019234. Disease mechanism: loss of function.

Allele frequency attached by ClinVar (database versions not stated): gnomAD exomes below 0.00001.
gnomAD v4.1: 4 of 1,614,236 alleles (0.00025%); highest among the groups gnomAD compares: East Asian, 0.0089%; no homozygotes.

Submissions (2):

PreventionGenetics, part of Exact Sciences
Classification: Likely benign for PEX6-related condition. Last evaluated: 2026-07-14. Review status: criteria provided, single submitter. Criteria: ACMG Guidelines, 2015. Collection method: clinical testing. Allele origin: germline.
Comment: This variant is classified as likely benign based on ACMG/AMP sequence variant interpretation guidelines (Richards et al. 2015 PMID: 25741868, with internal and published modifications).

Labcorp Genetics (formerly Invitae), Labcorp
Classification: Likely benign for Peroxisome biogenesis disorder. Last evaluated: 2022-10-28. Review status: criteria provided, single submitter. Criteria: Invitae Variant Classification Sherloc (09022015). Collection method: clinical testing. Allele origin: germline.

NM_000287.4(PEX6):c.669G>C (p.Val223=)

Gene: PEX6 (peroxisomal biogenesis factor 6; minus strand). Cytogenetic location: 6p21.1.
Variant type: single nucleotide variant.
Coding change: c.669G>C on transcript NM_000287.4 (MANE Select); coding-DNA position 669, G replaced by C.
Protein change: p.Val223=; no amino-acid change (valine 223 retained).
Molecular consequence: synonymous variant. On other transcripts: non-coding transcript variant (1), intron variant (1).
Genome position (GRCh38, 1-based): chr6:42,978,482, C>G on the plus strand (G>C on the coding strand, the complement: PEX6 is on the minus strand). VCF-style: chr6-42978482-C-G. GRCh37 (hg19) VCF-style: chr6-42946220-C-G.
Other names: c.618+51G>C (NM_001316313.2).
Identifiers: ClinVar variation 765835 (VCV000765835.11), dbSNP rs899965642, ClinGen allele CA138237869.